The following is an entry in ClinVar:

ClinVar aggregate classification (germline): Uncertain significance (1 of 4 stars; one submission).

gnomAD v4.1: 3 of 1,613,730 alleles (0.00019%); highest among the groups gnomAD compares: Non-Finnish European, 0.00025%; no homozygotes.

Submission:

GeneDx
Classification: Uncertain significance. Last evaluated: 2023-07-31. Review status: criteria provided, single submitter. Criteria: GeneDx Variant Classification Process June 2021. Collection method: clinical testing. Allele origin: germline. Affected: yes.
Comment: Not observed at significant frequency in large population cohorts (gnomAD); In silico analysis supports that this missense variant does not alter protein structure/function; In silico analysis suggests this variant may impact gene splicing. In the absence of RNA/functional studies, the actual effect of this sequence change is unknown.; Has not been previously published as pathogenic or benign to our knowledge

NM_012463.4(ATP6V0A2):c.466G>C (p.Glu156Gln)

Gene: ATP6V0A2 (ATPase H+ transporting V0 subunit a2; plus strand). Cytogenetic location: 12q24.31.
Variant type: single nucleotide variant.
Coding change: c.466G>C on transcript NM_012463.4 (MANE Select); coding-DNA position 466, G replaced by C.
Protein change: p.Glu156Gln; replaces glutamic acid 156 with glutamine.
Molecular consequence: missense variant.
Genome position (GRCh38, 1-based): chr12:123,726,230, G>C. VCF-style: chr12-123726230-G-C. GRCh37 (hg19) VCF-style: chr12-124210777-G-C.
Other names: short protein forms E156Q.
Identifiers: ClinVar variation 3361525 (VCV003361525.1).